The following is an entry in ClinVar:

NM_001370658.1(BTD):c.1411A>G (p.Ser471Gly)

Gene: BTD (biotinidase; plus strand). Cytogenetic location: 3p25.1.
Variant type: single nucleotide variant.
Coding change: c.1411A>G on transcript NM_001370658.1 (MANE Select); coding-DNA position 1411, A replaced by G.
Protein change: p.Ser471Gly; replaces serine 471 with glycine.
Molecular consequence: missense variant. On other transcripts: intron variant (8).
Genome position (GRCh38, 1-based): chr3:15,645,327, A>G. VCF-style: chr3-15645327-A-G. GRCh37 (hg19) VCF-style: chr3-15686834-A-G.
Other names: c.1411A>G, p.Ser471Gly (NM_001407373.1, NM_001407374.1, NM_001407375.1 and 16 more transcripts); c.1015+396A>G (NM_001370752.1, NM_001407379.1); c.399+3270A>G (NM_001370753.1, NM_001407400.1, NM_001407380.1 and 3 more transcripts); short protein forms S471G.
Identifiers: ClinVar variation 3907128 (VCV003907128.1).
Genomic context (GRCh38, chr3:15,645,327, plus strand): 5'-TGTGGACAGGAAATCACAGAGGCCACGGGGATATTTGAGTTTCACCTGTGGGGCAACTTC[A>G]GTACTTCCTATATCTTTCCTTTGTTTCTGACCTCAGGGATGACCCTAGAAGTCCCTGACC-3'
Protein context (NP_001357587.1, residues 461-481): IFEFHLWGNF[Ser471Gly]TSYIFPLFLT

ClinVar aggregate classification (germline): Uncertain significance (1 of 4 stars; one submission).

Submission:

Women's Health and Genetics/Laboratory Corporation of America, LabCorp
Classification: Uncertain significance. Last evaluated: 2025-06-13. Review status: criteria provided, single submitter. Criteria: LabCorp Variant Classification Summary - May 2015. Collection method: clinical testing. Allele origin: germline.
Comment: Variant summary: BTD c.1411A>G (p.Ser471Gly), also reported as eported as c.1471A>G p.S491G, results in a non-conservative amino acid change in the encoded protein sequence. Algorithms developed to predict the effect of missense changes on protein structure and function are either unavailable or do not agree on the potential impact of this missense change. The frequency data for this variant in gnomAD is considered unreliable, as metrics indicate poor data quality at this position. c.1411A>G has been observed in the presumed compound heterozygous state in at least 1 individual(s) affected with partial Biotinidase Deficiency (example, Canda_2018). These data do not allow any conclusion about variant significance. To our knowledge, no experimental evidence demonstrating an impact on protein function has been reported. The following publications have been ascertained in the context of this evaluation (PMID: 29995633, 36684547). No submitters have cited clinical-significance assessments for this variant to ClinVar. Based on the evidence outlined above, the variant was classified as uncertain significance.

Literature cited by the submitters: PubMed 36684547; PubMed 29995633.